The following is an entry in ClinVar:

NM_000466.3(PEX1):c.2686C>T (p.Arg896Ter)

Gene: PEX1 (peroxisomal biogenesis factor 1; minus strand). Cytogenetic location: 7q21.2.
Variant type: single nucleotide variant.
Coding change: c.2686C>T on transcript NM_000466.3 (MANE Select); coding-DNA position 2686, C replaced by T.
Protein change: p.Arg896Ter; replaces arginine 896 with a stop codon.
Molecular consequence: nonsense.
Genome position (GRCh38, 1-based): chr7:92,499,736, G>A on the plus strand (C>T on the coding strand, the complement: PEX1 is on the minus strand). VCF-style: chr7-92499736-G-A. GRCh37 (hg19) VCF-style: chr7-92129050-G-A.
Other names: c.2515C>T, p.Arg839Ter (NM_001282677.2); c.2062C>T, p.Arg688Ter (NM_001282678.2); short protein forms R896*, R839*, R688*.
Identifiers: ClinVar variation 371721 (VCV000371721.17), dbSNP rs1057517485, ClinGen allele CA16041152.

ClinVar aggregate classification (germline): Pathogenic/Likely pathogenic. Review status: criteria provided, multiple submitters, no conflicts (2 of 4 stars). 9 submissions from 7 submitters: Pathogenic (2); Likely pathogenic (5). 2 of the submissions do not count toward it. Last evaluated 2025-11-30.

Conditions:
Heimler syndrome 1 (HMLR1). Also called: PEROXISOME BIOGENESIS DISORDER 1C. Identifiers: Orphanet 3220, MedGen C4551980, OMIM 234580, MONDO:0024544.
PEX1-related disorder. Also called: PEX1-related condition.
Peroxisome biogenesis disorder 1B (PBD1B). Also called: PEROXISOME BIOGENESIS DISORDER (NEONATAL ADRENOLEUKODYSTROPHY/INFANTILE REFSUM DISEASE); INFANTILE PHYTANIC ACID STORAGE DISEASE; PEROXISOME BIOGENESIS DISORDER (NALD/IRD); ADRENOLEUKODYSTROPHY, AUTOSOMAL NEONATAL; Refsum disease, infantile form; Infantile Refsum disease. Identifiers: Orphanet 44, MedGen C0282527, MONDO:0011101, OMIM 601539.
Zellweger spectrum disorders (ZS). Also called: Zellweger syndrome; Zellweger Spectrum Disorder (ZSD); Zellweger Spectrum Disorder; Zellweger Spectrum. Identifiers: Orphanet 912, MedGen C0043459, MONDO:0019609.
Peroxisome biogenesis disorder 1A (Zellweger) (PBD1A). Also called: Zellweger leukodystrophy; Peroxisome biogenesis disorder 1a. Identifiers: MedGen C4721541, MONDO:0008953, OMIM 214100.

Allele frequency attached by ClinVar (database versions not stated): gnomAD exomes below 0.00001; TOPMed below 0.00001.
gnomAD v4.1: 2 of 1,612,998 alleles (0.00012%); highest among the groups gnomAD compares: South Asian, 0.0011%; no homozygotes.

Submissions (9):

Natera, Inc.
Classification: Likely pathogenic for Zellweger syndrome. Last evaluated: 2025-11-30. Review status: criteria provided, single submitter. Criteria: Natera Variant Classification Schema (03/2026). Collection method: clinical testing. Allele origin: germline.
Comment: The c.2686C>T variant in PEX1 is a nonsense variant predicted to introduce a stop codon at amino acid 896. This variant is expected to result in nonsense mediated decay, truncation, or a dysfunctional protein product. This variant is rare in the general population with a frequency below the threshold expected for the associated phenotype(s). Given the available evidence, this variant is classified as Likely Pathogenic.

Women's Health and Genetics/Laboratory Corporation of America, LabCorp
Classification: Pathogenic for Heimler syndrome 1. Last evaluated: 2025-04-15. Review status: criteria provided, single submitter. Criteria: LabCorp Variant Classification Summary - May 2015. Collection method: clinical testing. Allele origin: germline.
Comment: Variant summary: PEX1 c.2686C>T (p.Arg896X) results in a premature termination codon, predicted to cause absence of the protein due to nonsense mediated decay, which is a commonly known mechanism for disease. The variant was absent in 251376 control chromosomes (gnomAD). To our knowledge, no occurrence of c.2686C>T in individuals affected with Heimler Syndrome 1 and no experimental evidence demonstrating its impact on protein function have been reported. ClinVar contains an entry for this variant (Variation ID: 371721). Based on the evidence outlined above, the variant was classified as pathogenic.

Fulgent Genetics
Classification: Likely pathogenic for Peroxisome biogenesis disorder 1A (Zellweger); Heimler syndrome 1; Peroxisome biogenesis disorder 1B. Last evaluated: 2024-06-01. Review status: criteria provided, single submitter. Criteria: ACMG Guidelines, 2015. Collection method: clinical testing. Allele origin: germline.

Blueprint Genetics
Classification: Likely pathogenic for PEX1-related disorders. Last evaluated: 2024-04-30. Review status: criteria provided, single submitter. Criteria: ACMG Guidelines, 2015. Collection method: clinical testing. Allele origin: germline. Affected: yes. Observed: 2 variant alleles.

Labcorp Genetics (formerly Invitae), Labcorp
Classification: Pathogenic for Zellweger spectrum disorders. Last evaluated: 2024-03-20. Review status: criteria provided, single submitter. Criteria: Invitae Variant Classification Sherloc (09022015). Collection method: clinical testing. Allele origin: germline.
Comment: This sequence change creates a premature translational stop signal (p.Arg896*) in the PEX1 gene. It is expected to result in an absent or disrupted protein product. Loss-of-function variants in PEX1 are known to be pathogenic (PMID: 21031596, 26387595, 31831025). This variant is not present in population databases (gnomAD no frequency). This variant has not been reported in the literature in individuals affected with PEX1-related conditions. ClinVar contains an entry for this variant (Variation ID: 371721). For these reasons, this variant has been classified as Pathogenic.

Baylor Genetics
Classification: Likely pathogenic for Heimler syndrome 1. Last evaluated: 2023-11-23. Review status: criteria provided, single submitter. Criteria: ACMG Guidelines, 2015. Collection method: clinical testing. Allele origin: unknown.

Baylor Genetics
Classification: Likely pathogenic for Peroxisome biogenesis disorder 1A (Zellweger); Peroxisome biogenesis disorder 1B. Review status: criteria provided, single submitter. Criteria: ACMG Guidelines, 2015. Collection method: clinical testing. Allele origin: germline.

Counsyl
Classification: Likely pathogenic for Peroxisome biogenesis disorder 1A (Zellweger). Last evaluated: 2016-03-29. Review status: no assertion criteria provided. Collection method: clinical testing. Allele origin: unknown. Not counted in ClinVar's aggregate classification.

Counsyl
Classification: Likely pathogenic for Peroxisome biogenesis disorder 1B. Last evaluated: 2016-03-29. Review status: no assertion criteria provided. Collection method: clinical testing. Allele origin: unknown. Not counted in ClinVar's aggregate classification.

Literature cited by the submitters: PubMed 21031596 (cited by Labcorp Genetics (formerly Invitae), Labcorp); PubMed 26387595 (cited by Labcorp Genetics (formerly Invitae), Labcorp); PubMed 31831025 (cited by Labcorp Genetics (formerly Invitae), Labcorp).